The following is an entry in ClinVar:

ClinVar aggregate classification (germline): Uncertain significance. Review status: criteria provided, multiple submitters, no conflicts (2 of 4 stars). 2 submissions from 2 submitters: Uncertain significance (2). Last evaluated 2024-01-01.

Conditions:
IFAP syndrome 1, with or without BRESHECK syndrome. Also called: ICHTHYOSIS FOLLICULARIS, ATRICHIA, AND PHOTOPHOBIA WITH OR WITHOUT BRAIN ANOMALIES, RETARDATION, ECTODERMAL DYSPLASIA, SKELETAL MALFORMATIONS, HIRSCHSPRUNG DISEASE, EAR/EYE ANOMALIES, CLEFT PALATE/CRYPTORCHIDISM, AND KIDNEY DYSPLASIA/HYPOPLASIA; IFAP syndrome with or without BRESHECK syndrome; IFAP SYNDROME 1. Identifiers: Orphanet 2273, Orphanet 85284, MedGen C5399971, MONDO:0100213, OMIM 308205.
MBTPS2-related disorder. Also called: MBTPS2-related condition.

Submissions (2):

Daryl Scott Lab, Baylor College of Medicine
Classification: Uncertain significance for MBTPS2-related disorder. Last evaluated: 2024-01-01. Review status: criteria provided, single submitter. Criteria: ACMG Guidelines, 2015. Collection method: clinical testing. Allele origin: maternal. Observed: 1 heterozygote.
Comment: PM2, PP3

Baylor Genetics
Classification: Uncertain significance for IFAP syndrome 1, with or without BRESHECK syndrome. Last evaluated: 2020-02-24. Review status: criteria provided, single submitter. Criteria: ACMG Guidelines, 2015. Collection method: clinical testing. Allele origin: unknown. Affected: yes.
Comment: This variant was determined to be of uncertain significance according to ACMG Guidelines, 2015 [PMID:25741868].

NM_015884.4(MBTPS2):c.516A>C (p.Glu172Asp)

Gene: MBTPS2 (membrane bound transcription factor peptidase, site 2; plus strand). Cytogenetic location: Xp22.12.
Variant type: single nucleotide variant.
Coding change: c.516A>C on transcript NM_015884.4 (MANE Select); coding-DNA position 516, A replaced by C.
Protein change: p.Glu172Asp; replaces glutamic acid 172 with aspartic acid.
Molecular consequence: missense variant.
Genome position (GRCh38, 1-based): chrX:21,851,586, A>C. VCF-style: chrX-21851586-A-C. GRCh37 (hg19) VCF-style: chrX-21869704-A-C.
Other names: short protein forms E172D.
Identifiers: ClinVar variation 1029416 (VCV001029416.2), dbSNP rs2092914741, ClinGen allele CA412562768.